The following is an entry in ClinVar:

NM_001164665.2(KIAA1549):c.710G>C (p.Arg237Pro)

Gene: KIAA1549 (KIAA1549; minus strand). Cytogenetic location: 7q34.
Variant type: single nucleotide variant.
Coding change: c.710G>C on transcript NM_001164665.2 (MANE Select); coding-DNA position 710, G replaced by C.
Protein change: p.Arg237Pro; replaces arginine 237 with proline.
Molecular consequence: missense variant.
Genome position (GRCh38, 1-based): chr7:138,918,916, C>G on the plus strand (G>C on the coding strand, the complement: KIAA1549 is on the minus strand). VCF-style: chr7-138918916-C-G. GRCh37 (hg19) VCF-style: chr7-138603662-C-G.
Other names: c.710G>C, p.Arg237Pro (NM_020910.3); c.710G>C (NM_001164665.1); short protein forms R237P.
Identifiers: ClinVar variation 1969065 (VCV001969065.3), dbSNP rs112263100, ClinGen allele CA167166989.
Genomic context (GRCh38, chr7:138,918,916, plus strand): 5'-GCATCAGTAGGATAAAGCACCAAATTCCTGCCAGGAGTTGGAACGATGCCCTCAGAGGTG[C>G]GAAAAGCTGACCGAAAGGTGTGGAAATGACTGGCGGACTCAGCATATGCCGCTGGTTGTC-3'
Protein context (NP_001158137.1, residues 227-247): SHFHTFRSAF[Arg237Pro]TSEGIVPTPG

ClinVar aggregate classification (germline): Conflicting classifications of pathogenicity. Review status: criteria provided, conflicting classifications (1 of 4 stars). 2 submissions from 2 submitters: Uncertain significance (1); Likely benign (1). Last evaluated 2025-02-03.

Conditions:
Inborn genetic diseases. Identifiers: MedGen C0950123, MeSH D030342.

gnomAD v4.1: 12 of 1,613,856 alleles (0.00074%); highest among the groups gnomAD compares: African/African-American, 0.016%; no homozygotes.

Submissions (2):

Ambry Genetics
Classification: Likely benign for Inborn genetic diseases. Last evaluated: 2025-02-03. Review status: criteria provided, single submitter. Criteria: Ambry Variant Classification Scheme 2023. Collection method: clinical testing. Allele origin: germline.

Labcorp Genetics (formerly Invitae), Labcorp
Classification: Uncertain significance. Last evaluated: 2022-10-24. Review status: criteria provided, single submitter. Criteria: Invitae Variant Classification Sherloc (09022015). Collection method: clinical testing. Allele origin: germline.
Comment: This sequence change replaces arginine, which is basic and polar, with proline, which is neutral and non-polar, at codon 237 of the KIAA1549 protein (p.Arg237Pro). This variant is present in population databases (no rsID available, gnomAD 0.01%). This variant has not been reported in the literature in individuals affected with KIAA1549-related conditions. Algorithms developed to predict the effect of missense changes on protein structure and function output the following: SIFT: "Tolerated"; PolyPhen-2: "Benign"; Align-GVGD: "Class C0". The proline amino acid residue is found in multiple mammalian species, which suggests that this missense change does not adversely affect protein function. In summary, the available evidence is currently insufficient to determine the role of this variant in disease. Therefore, it has been classified as a Variant of Uncertain Significance.